The following is an entry in ClinVar:

NM_002230.4(JUP):c.1400C>T (p.Pro467Leu)

Gene: JUP (junction plakoglobin; minus strand). Cytogenetic location: 17q21.2.
Variant type: single nucleotide variant.
Coding change: c.1400C>T on transcript NM_002230.4 (MANE Select); coding-DNA position 1400, C replaced by T.
Protein change: p.Pro467Leu; replaces proline 467 with leucine.
Molecular consequence: missense variant.
Genome position (GRCh38, 1-based): chr17:41,763,080, G>A on the plus strand (C>T on the coding strand, the complement: JUP is on the minus strand). VCF-style: chr17-41763080-G-A. GRCh37 (hg19) VCF-style: chr17-39919332-G-A.
Other names: c.1400C>T, p.Pro467Leu (NM_001352773.2, NM_001352774.2, NM_001352775.2 and 3 more transcripts); short protein forms P467L.
Identifiers: ClinVar variation 1426206 (VCV001426206.9), dbSNP rs782667501, ClinGen allele CA8565217.
Genomic context (GRCh38, chr17:41,763,080, plus strand): 5'-TTCACGATGGCTGGGATGCCATAGTTGAGACGCACAGAGTTCTGGGCCATCTCGGCCTCA[G>A]GGTGGCGGCTAGTGAGGTGGCGCAGAGCGCAGACGGCAGGCTCCGTGATGTCGTCCTTGT-3'
Protein context (NP_002221.1, residues 457-477): CALRHLTSRH[Pro467Leu]EAEMAQNSVR

ClinVar aggregate classification (germline): Uncertain significance. Review status: criteria provided, multiple submitters, no conflicts (2 of 4 stars). 2 submissions from 2 submitters: Uncertain significance (2). Last evaluated 2026-01-10.

Conditions:
Naxos disease (NXD). Also called: WOOLLY HAIR, PALMOPLANTAR KERATODERMA, AND CARDIAC ABNORMALITIES; KERATOSIS PALMOPLANTARIS WITH ARRHYTHMOGENIC CARDIOMYOPATHY; MAL DE NAXOS; PALMOPLANTAR KERATODERMA WITH ARRHYTHMOGENIC RIGHT VENTRICULAR CARDIOMYOPATHY AND WOOLLY HAIR; CARDIOMYOPATHY, ARRHYTHMOGENIC RIGHT VENTRICULAR, WITH SKIN, HAIR, AND NAIL ABNORMALITIES. Identifiers: Orphanet 34217, MedGen C1832600, MONDO:0011017, OMIM 601214.
Arrhythmogenic right ventricular dysplasia 12. Also called: ARRHYTHMOGENIC RIGHT VENTRICULAR DYSPLASIA, FAMILIAL, 12. Identifiers: MedGen C1969081, MONDO:0012684, OMIM 611528.

Allele frequency attached by ClinVar (database versions not stated): gnomAD 0.00001; gnomAD exomes 0.00001 and 0.00005; TOPMed 0.00001; ExAC 0.00004.
gnomAD v4.1: 8 of 1,613,924 alleles (0.0005%); highest among the groups gnomAD compares: East Asian, 0.018%; no homozygotes.

Submissions (2):

Labcorp Genetics (formerly Invitae), Labcorp
Classification: Uncertain significance for Arrhythmogenic right ventricular dysplasia 12; Naxos disease. Last evaluated: 2026-01-10. Review status: criteria provided, single submitter. Criteria: Invitae Variant Classification Sherloc (09022015). Collection method: clinical testing. Allele origin: germline.
Comment: This sequence change replaces proline, which is neutral and non-polar, with leucine, which is neutral and non-polar, at codon 467 of the JUP protein (p.Pro467Leu). This variant is present in population databases (rs782667501, gnomAD 0.07%). This missense change has been observed in individual(s) with dilated cardiomyopathy (PMID: 31983221). ClinVar contains an entry for this variant (Variation ID: 1426206). An algorithm developed to predict the effect of missense changes on protein structure and function (PolyPhen-2) suggests that this variant is likely to be tolerated. In summary, the available evidence is currently insufficient to determine the role of this variant in disease. Therefore, it has been classified as a Variant of Uncertain Significance.

Blueprint Genetics
Classification: Uncertain significance. Last evaluated: 2024-03-26. Review status: criteria provided, single submitter. Criteria: ACMG Guidelines, 2015. Collection method: clinical testing. Allele origin: germline.

Literature cited by the submitters: PubMed 31983221 (cited by Labcorp Genetics (formerly Invitae), Labcorp).